The following is an entry in ClinVar:

ClinVar aggregate classification (germline): Benign. Review status: criteria provided, multiple submitters, no conflicts (2 of 4 stars). 3 submissions from 3 submitters: Benign (2). 1 of the submissions does not count toward it. Last evaluated 2019-12-31.

Conditions:
PRR12-related disorder. Also called: PRR12-related condition.

Allele frequency attached by ClinVar (database versions not stated): gnomAD exomes 0.00239 and 0.00594; ExAC 0.00793; gnomAD 0.02372 and 0.02544; 1000 Genomes Project 0.02616; TOPMed 0.02691; ESP Exome Variant Server 0.02714; 1000 Genomes Project 30x 0.02795.
gnomAD v4.1: 7,221 of 1,612,326 alleles (0.45%); highest among the groups gnomAD compares: African/African-American, 8.4%; 296 homozygotes.

Submissions (3):

Labcorp Genetics (formerly Invitae), Labcorp
Classification: Benign. Last evaluated: 2019-12-31. Review status: criteria provided, single submitter. Criteria: Invitae Variant Classification Sherloc (09022015). Collection method: clinical testing. Allele origin: germline.

Breakthrough Genomics
Classification: Benign. Review status: criteria provided, single submitter. Criteria: ACMG Guidelines, 2015. Collection method: not provided. Allele origin: germline. Inheritance: Autosomal dominant inheritance. Affected: yes.

PreventionGenetics, part of Exact Sciences
Classification: Benign for PRR12-related condition. Last evaluated: 2020-02-18. Review status: no assertion criteria provided. Collection method: clinical testing. Allele origin: germline. Not counted in ClinVar's aggregate classification.
Comment: This variant is classified as benign based on ACMG/AMP sequence variant interpretation guidelines (Richards et al. 2015 PMID: 25741868, with internal and published modifications).

NM_020719.3(PRR12):c.3801T>C (p.Ile1267=)

Gene: PRR12 (proline rich 12; plus strand). Cytogenetic location: 19q13.33.
Variant type: single nucleotide variant.
Coding change: c.3801T>C on transcript NM_020719.3 (MANE Select); coding-DNA position 3801, T replaced by C.
Protein change: p.Ile1267=; no amino-acid change (isoleucine 1267 retained).
Molecular consequence: synonymous variant.
Genome position (GRCh38, 1-based): chr19:49,599,394, T>C. VCF-style: chr19-49599394-T-C. GRCh37 (hg19) VCF-style: chr19-50102651-T-C.
Identifiers: ClinVar variation 769034 (VCV000769034.7), dbSNP rs80139038, ClinGen allele CA9578360.